The following is an entry in ClinVar:

NM_006206.6(PDGFRA):c.*39C>T

Gene: PDGFRA (platelet derived growth factor receptor alpha; plus strand). Cytogenetic location: 4q12.
Variant type: single nucleotide variant.
Coding change: c.*39C>T on transcript NM_006206.6 (MANE Select); 39 bases downstream of the stop codon, C replaced by T.
Molecular consequence: 3 prime UTR variant.
Genome position (GRCh38, 1-based): chr4:54,295,311, C>T. VCF-style: chr4-54295311-C-T. GRCh37 (hg19) VCF-style: chr4-55161478-C-T.
Other names: c.*39C>T (NM_001347828.2, NM_001347829.2, NM_001347830.2 and 1 more transcripts).
Identifiers: ClinVar variation 348910 (VCV000348910.8), dbSNP rs55681376, ClinGen allele CA2923086.

ClinVar aggregate classification (germline): Conflicting classifications of pathogenicity. Review status: criteria provided, conflicting classifications (1 of 4 stars). 4 submissions from 3 submitters: Uncertain significance (1); Benign (1); Likely benign (1). 1 of the submissions does not count toward it. Last evaluated 2024-09-07.

Conditions:
Idiopathic hypereosinophilic syndrome (HES). Identifiers: Orphanet 3260, MedGen C0206141, MONDO:0011895, OMIM 607685. Disease mechanism: gain of function.
Gastrointestinal stromal tumor. Also called: Gastrointestinal stroma tumor; Gastrointestinal stromal tumor, somatic. Identifiers: Orphanet 44890, MedGen C0238198, MeSH D046152, MONDO:0011719, OMIM 606764, HP:0100723.
PDGFRA-related disorder. Also called: PDGFRA-related condition.

Allele frequency attached by ClinVar (database versions not stated): ESP Exome Variant Server 0.00038; ExAC 0.00044; gnomAD exomes 0.00046 and 0.00082; gnomAD 0.00054 and 0.00055; TOPMed 0.00059; 1000 Genomes Project 0.00060; 1000 Genomes Project 30x 0.00062.
gnomAD v4.1: 1,255 of 1,608,424 alleles (0.078%); highest among the groups gnomAD compares: Non-Finnish European, 0.1%; 4 homozygotes.

Submissions (4):

Blueprint Genetics
Classification: Likely benign. Last evaluated: 2024-09-07. Review status: criteria provided, single submitter. Criteria: ACMG Guidelines, 2015. Collection method: clinical testing. Allele origin: germline.

Illumina Laboratory Services, Illumina
Classification: Benign for Idiopathic hypereosinophilic syndrome. Last evaluated: 2018-01-12. Review status: criteria provided, single submitter. Criteria: ICSL Variant Classification Criteria 13 December 2019. Collection method: clinical testing. Allele origin: germline.
Comment: This variant was observed in the ICSL laboratory as part of a predisposition screen in an ostensibly healthy population. It had not been previously curated by ICSL or reported in the Human Gene Mutation Database (HGMD: prior to June 1st, 2018), and was therefore a candidate for classification through an automated scoring system. Utilizing variant allele frequency, disease prevalence and penetrance estimates, and inheritance mode, an automated score was calculated to assess if this variant is too frequent to cause the disease. Based on the score and internal cut-off values, a variant classified as benign is not then subjected to further curation. The score for this variant resulted in a classification of benign for this disease.

Illumina Laboratory Services, Illumina
Classification: Uncertain significance for Gastrointestinal stromal tumor. Last evaluated: 2018-01-12. Review status: criteria provided, single submitter. Criteria: ICSL Variant Classification Criteria 13 December 2019. Collection method: clinical testing. Allele origin: germline.

PreventionGenetics, part of Exact Sciences
Classification: Likely benign for PDGFRA-related condition. Last evaluated: 2022-03-03. Review status: no assertion criteria provided. Collection method: clinical testing. Allele origin: germline. Not counted in ClinVar's aggregate classification.
Comment: This variant is classified as likely benign based on ACMG/AMP sequence variant interpretation guidelines (Richards et al. 2015 PMID: 25741868, with internal and published modifications).